The following is an entry in ClinVar:

NM_017763.6(RNF43):c.451-20T>C

Gene: RNF43 (ring finger protein 43; minus strand). Cytogenetic location: 17q22.
Variant type: single nucleotide variant.
Coding change: c.451-20T>C on transcript NM_017763.6 (MANE Select); 20 bases into the intron before coding-DNA position 451, T replaced by C.
Molecular consequence: intron variant.
Genome position (GRCh38, 1-based): chr17:58,363,426, A>G on the plus strand (T>C on the coding strand, the complement: RNF43 is on the minus strand). VCF-style: chr17-58363426-A-G. GRCh37 (hg19) VCF-style: chr17-56440787-A-G.
Other names: c.451-20T>C (NM_001438822.1, NM_001305544.3, NM_001438820.1 and 1 more transcripts); c.70-20T>C (NM_001305545.2, NM_001437987.1).
Identifiers: ClinVar variation 4875782 (VCV004875782.1).

ClinVar aggregate classification (germline): Likely benign (1 of 4 stars; one submission).

Conditions:
Sessile serrated polyposis cancer syndrome (SSPCS). Identifiers: Orphanet 157798, MedGen C4310714, MONDO:0014919, OMIM 617108.

Submission:

Myriad Genetics, Inc.
Classification: Likely benign for Sessile serrated polyposis cancer syndrome. Last evaluated: 2026-06-26. Review status: criteria provided, single submitter. Criteria: Myriad Autosomal Dominant, Autosomal Recessive and X-Linked Classification Criteria (2023). Collection method: clinical testing. Allele origin: unknown.
Comment: This variant is considered likely benign. This variant is intronic and is not expected to impact mRNA splicing.